The following is an entry in ClinVar:

ClinVar aggregate classification (germline): Pathogenic (1 of 4 stars; one submission).

Conditions:
Myopathy, proximal, and ophthalmoplegia (CMYO6). Also called: INCLUSION BODY MYOPATHY 3, AUTOSOMAL DOMINANT; CONGENITAL MYOPATHY 6 WITH OPHTHALMOPLEGIA; MYOPATHY WITH CONGENITAL JOINT CONTRACTURES, OPHTHALMOPLEGIA, AND RIMMED VACUOLES. Identifiers: Orphanet 363677, Orphanet 79091, MedGen C1854106, MONDO:0011577, OMIM 605637.

Submission:

Labcorp Genetics (formerly Invitae), Labcorp
Classification: Pathogenic for Myopathy, proximal, and ophthalmoplegia. Last evaluated: 2023-02-18. Review status: criteria provided, single submitter. Criteria: Invitae Variant Classification Sherloc (09022015). Collection method: clinical testing. Allele origin: germline.
Comment: For these reasons, this variant has been classified as Pathogenic. This variant has not been reported in the literature in individuals affected with MYH2-related conditions. This variant is not present in population databases (gnomAD no frequency). This sequence change creates a premature translational stop signal (p.Glu1632*) in the MYH2 gene. It is expected to result in an absent or disrupted protein product. Loss-of-function variants in MYH2 are known to be pathogenic (PMID: 20418530, 23388406, 24193343).

Literature cited by the submitters: PubMed 20418530; PubMed 23388406; PubMed 24193343.

NM_017534.6(MYH2):c.4894G>T (p.Glu1632Ter)

Genes: MYHAS (myosin heavy chain gene cluster antisense RNA; plus strand), MYH2 (myosin heavy chain 2; minus strand), LOC126862500 (BRD4-independent group 4 enhancer GRCh37_chr17:10427829-10429028; plus strand). Cytogenetic location: 17p13.1.
Variant type: single nucleotide variant.
Coding change: c.4894G>T on transcript NM_017534.6 (MANE Select); coding-DNA position 4894, G replaced by T.
Protein change: p.Glu1632Ter; replaces glutamic acid 1632 with a stop codon.
Molecular consequence: nonsense.
Genome position (GRCh38, 1-based): chr17:10,524,834, C>A on the plus strand (G>T on the coding strand, the complement: MYH2 is on the minus strand). VCF-style: chr17-10524834-C-A. GRCh37 (hg19) VCF-style: chr17-10428151-C-A.
Other names: c.4894G>T, p.Glu1632Ter (NM_001100112.2); short protein forms E1632*.
Identifiers: ClinVar variation 2838952 (VCV002838952.3), dbSNP rs2508413490, ClinGen allele CA398121000.